The following is an entry in ClinVar:

NM_031844.3(HNRNPU):c.2426A>G (p.Gln809Arg)

Gene: HNRNPU (heterogeneous nuclear ribonucleoprotein U; minus strand). Cytogenetic location: 1q44.
Variant type: single nucleotide variant.
Coding change: c.2426A>G on transcript NM_031844.3 (MANE Select); coding-DNA position 2426, A replaced by G.
Protein change: p.Gln809Arg; replaces glutamine 809 with arginine.
Molecular consequence: missense variant.
Genome position (GRCh38, 1-based): chr1:244,854,502, T>C on the plus strand (A>G on the coding strand, the complement: HNRNPU is on the minus strand). VCF-style: chr1-244854502-T-C. GRCh37 (hg19) VCF-style: chr1-245017804-T-C.
Other names: c.2369A>G, p.Gln790Arg (NM_004501.3); short protein forms Q809R, Q790R.
Identifiers: ClinVar variation 4709711 (VCV004709711.1).

ClinVar aggregate classification (germline): Uncertain significance (1 of 4 stars; one submission).

Conditions:
Developmental and epileptic encephalopathy, 54. Also called: HNRNPU-Related Neurodevelopmental Disorder; Epileptic encephalopathy, early infantile, 54. Identifiers: MedGen C4479319, MONDO:0033363, OMIM 617391.

Submission:

Labcorp Genetics (formerly Invitae), Labcorp
Classification: Uncertain significance for Developmental and epileptic encephalopathy, 54. Last evaluated: 2025-07-20. Review status: criteria provided, single submitter. Criteria: Invitae Variant Classification Sherloc (09022015). Collection method: clinical testing. Allele origin: germline.
Comment: This sequence change replaces glutamine, which is neutral and polar, with arginine, which is basic and polar, at codon 809 of the HNRNPU protein (p.Gln809Arg). This variant is not present in population databases (gnomAD no frequency). This variant has not been reported in the literature in individuals affected with HNRNPU-related conditions. Invitae Evidence Modeling of protein sequence and biophysical properties (such as structural, functional, and spatial information, amino acid conservation, physicochemical variation, residue mobility, and thermodynamic stability) indicates that this missense variant is not expected to disrupt HNRNPU protein function with a negative predictive value of 95%. In summary, the available evidence is currently insufficient to determine the role of this variant in disease. Therefore, it has been classified as a Variant of Uncertain Significance.